The following is an entry in ClinVar:

ClinVar aggregate classification (germline): Uncertain significance. Review status: criteria provided, multiple submitters, no conflicts (2 of 4 stars). 2 submissions from 2 submitters: Uncertain significance (2). Last evaluated 2025-07-10.

Conditions:
Hereditary cancer-predisposing syndrome. Also called: Neoplastic Syndromes, Hereditary; Tumor predisposition; Hereditary Cancer Syndrome; Hereditary neoplastic syndrome. Identifiers: Orphanet 140162, MedGen C0027672, MeSH D009386, MONDO:0015356.

Submissions (2):

Ambry Genetics
Classification: Uncertain significance for Hereditary cancer-predisposing syndrome. Last evaluated: 2025-07-10. Review status: criteria provided, single submitter. Criteria: Ambry Variant Classification Scheme 2023. Collection method: clinical testing. Allele origin: germline.
Comment: The p.M729I variant (also known as c.2187G>A), located in coding exon 13 of the RAD50 gene, results from a G to A substitution at nucleotide position 2187. The methionine at codon 729 is replaced by isoleucine, an amino acid with highly similar properties. This amino acid position is highly conserved in available vertebrate species. In addition, the in silico prediction for this alteration is inconclusive. Since supporting evidence is limited at this time, the clinical significance of this alteration remains unclear.

Labcorp Genetics (formerly Invitae), Labcorp
Classification: Uncertain significance for Hereditary cancer-predisposing syndrome. Last evaluated: 2019-08-10. Review status: criteria provided, single submitter. Criteria: Invitae Variant Classification Sherloc (09022015). Collection method: clinical testing. Allele origin: germline.
Comment: This variant is not present in population databases (ExAC no frequency). In summary, the available evidence is currently insufficient to determine the role of this variant in disease. Therefore, it has been classified as a Variant of Uncertain Significance. Algorithms developed to predict the effect of missense changes on protein structure and function (SIFT, PolyPhen-2, Align-GVGD) all suggest that this variant is likely to be tolerated, but these predictions have not been confirmed by published functional studies and their clinical significance is uncertain. This variant has not been reported in the literature in individuals with RAD50-related conditions. This sequence change replaces methionine with isoleucine at codon 729 of the RAD50 protein (p.Met729Ile). The methionine residue is moderately conserved and there is a small physicochemical difference between methionine and isoleucine.

NM_005732.4(RAD50):c.2187G>A (p.Met729Ile)

Gene: RAD50 (RAD50 double strand break repair protein; plus strand). Cytogenetic location: 5q31.1.
Variant type: single nucleotide variant.
Coding change: c.2187G>A on transcript NM_005732.4 (MANE Select); coding-DNA position 2187, G replaced by A.
Protein change: p.Met729Ile; replaces methionine 729 with isoleucine.
Molecular consequence: missense variant.
Genome position (GRCh38, 1-based): chr5:132,595,790, G>A. VCF-style: chr5-132595790-G-A. GRCh37 (hg19) VCF-style: chr5-131931482-G-A.
Other names: short protein forms M729I.
Identifiers: ClinVar variation 820847 (VCV000820847.15), dbSNP rs1554098716, ClinGen allele CA360950796.
Genomic context (GRCh38, chr5:132,595,790, plus strand): 5'-AGATAAACTCAAGTCAACAGAATCAGAGCTAAAAAAAAAGGAAAAGCGGCGTGATGAAAT[G>A]CTGGGACTTGTGCCCATGAGGTAAGAATGGGATTTACCTTCACTGTACATGTAGCAGCAC-3'
Protein context (NP_005723.2, residues 719-739): LKKKEKRRDE[Met729Ile]LGLVPMRQSI